The following is an entry in ClinVar:

ClinVar aggregate classification (germline): Uncertain significance (1 of 4 stars; one submission).

Conditions:
Inborn genetic diseases. Identifiers: MedGen C0950123, MeSH D030342.

Submission:

Ambry Genetics
Classification: Uncertain significance for Inborn genetic diseases. Last evaluated: 2026-03-15. Review status: criteria provided, single submitter. Criteria: Ambry Variant Classification Scheme 2023. Collection method: clinical testing. Allele origin: germline.
Comment: The p.L587Q variant (also known as c.1760T>A), located in coding exon 19 of the FANCA gene, results from a T to A substitution at nucleotide position 1760. The leucine at codon 587 is replaced by glutamine, an amino acid with dissimilar properties. This amino acid position is conserved. In addition, this alteration is predicted to be deleterious by in silico analysis. Based on the available evidence, the clinical significance of this variant remains unclear.

NM_000135.4(FANCA):c.1760T>A (p.Leu587Gln)

Gene: FANCA (FA complementation group A; minus strand). Cytogenetic location: 16q24.3.
Variant type: single nucleotide variant.
Coding change: c.1760T>A on transcript NM_000135.4 (MANE Select); coding-DNA position 1760, T replaced by A.
Protein change: p.Leu587Gln; replaces leucine 587 with glutamine.
Molecular consequence: missense variant.
Genome position (GRCh38, 1-based): chr16:89,778,959, A>T on the plus strand (T>A on the coding strand, the complement: FANCA is on the minus strand). VCF-style: chr16-89778959-A-T. GRCh37 (hg19) VCF-style: chr16-89845367-A-T.
Other names: c.1760T>A, p.Leu587Gln (NM_001286167.3); short protein forms L587Q.
Identifiers: ClinVar variation 4870783 (VCV004870783.1).